The following is an entry in ClinVar:

ClinVar aggregate classification (germline): Likely benign (0 of 4 stars; one submission).

Conditions:
UTP4-related disorder. Also called: UTP4-related condition.

Submission:

PreventionGenetics, part of Exact Sciences
Classification: Likely benign for UTP4-related condition. Last evaluated: 2022-07-26. Review status: no assertion criteria provided. Collection method: clinical testing. Allele origin: germline.
Comment: This variant is classified as likely benign based on ACMG/AMP sequence variant interpretation guidelines (Richards et al. 2015 PMID: 25741868, with internal and published modifications).

NM_032830.3(UTP4):c.1608C>G (p.Pro536=)

Gene: UTP4 (UTP4 small subunit processome component). Cytogenetic location: 16q22.1.
Variant type: single nucleotide variant.
Coding change: c.1608C>G on transcript NM_032830.3 (MANE Select); coding-DNA position 1608, C replaced by G.
Protein change: p.Pro536=; no amino-acid change (proline 536 retained).
Molecular consequence: synonymous variant.
Genome position (GRCh38, 1-based): chr16:69,163,139, C>G. VCF-style: chr16-69163139-C-G. GRCh37 (hg19) VCF-style: chr16-69197042-C-G.
Other names: c.1359C>G, p.Pro453= (NM_001318391.2).
Identifiers: ClinVar variation 3054349 (VCV003054349.2), dbSNP rs2544422586, ClinGen allele CA496161563.